The following is an entry in ClinVar:

ClinVar aggregate classification (germline): Uncertain significance. Review status: criteria provided, multiple submitters, no conflicts (2 of 4 stars). 2 submissions from 2 submitters: Uncertain significance (2). Last evaluated 2024-05-20.

Conditions:
Cardiovascular phenotype. Identifiers: MedGen CN230736.
Catecholaminergic polymorphic ventricular tachycardia (CVPT). Also called: Catecholamine-induced polymorphic ventricular tachycardia. Identifiers: Orphanet 3286, MedGen C5574922, MONDO:0017990.

Submissions (2):

Ambry Genetics
Classification: Uncertain significance for Cardiovascular phenotype. Last evaluated: 2024-05-20. Review status: criteria provided, single submitter. Criteria: Ambry Variant Classification Scheme 2023. Collection method: clinical testing. Allele origin: germline.
Comment: The p.L2638V variant (also known as c.7912C>G), located in coding exon 52 of the RYR2 gene, results from a C to G substitution at nucleotide position 7912. The leucine at codon 2638 is replaced by valine, an amino acid with highly similar properties. This amino acid position is highly conserved in available vertebrate species. In addition, the in silico prediction for this alteration is inconclusive. Based on the available evidence, the clinical significance of this variant remains unclear.

All of Us Research Program, National Institutes of Health
Classification: Uncertain significance for Catecholaminergic polymorphic ventricular tachycardia. Last evaluated: 2024-04-25. Review status: criteria provided, single submitter. Criteria: ACMG Guidelines, 2015. Collection method: clinical testing. Allele origin: germline. Inheritance: Autosomal dominant inheritance. Observed: 1 variant allele, 1 heterozygote.
Comment: This missense variant replaces leucine with valine at codon 2638 of the RYR2 protein. Computational prediction is inconclusive regarding the impact of this variant on protein structure and function (internally defined REVEL score threshold 0.5 < inconclusive < 0.7, PMID: 27666373). To our knowledge, functional studies have not been reported for this variant. This variant has not been reported in individuals affected with RYR2-related disorders in the literature. This variant has not been identified in the general population by the Genome Aggregation Database (gnomAD). The available evidence is insufficient to determine the role of this variant in disease conclusively. Therefore, this variant is classified as a Variant of Uncertain Significance.

This study involves interpretation of variants in research participants for the purpose of population health screening. Participant phenotype was not available at the time of variant classification. Additional details can be found in publication PMID: 35346344, PMCID: PMC8962531

NM_001035.3(RYR2):c.7912C>G (p.Leu2638Val)

Gene: RYR2 (ryanodine receptor 2; plus strand). Cytogenetic location: 1q43.
Variant type: single nucleotide variant.
Coding change: c.7912C>G on transcript NM_001035.3 (MANE Select); coding-DNA position 7912, C replaced by G.
Protein change: p.Leu2638Val; replaces leucine 2638 with valine.
Molecular consequence: missense variant.
Genome position (GRCh38, 1-based): chr1:237,654,361, C>G. VCF-style: chr1-237654361-C-G. GRCh37 (hg19) VCF-style: chr1-237817661-C-G.
Other names: short protein forms L2638V.
Identifiers: ClinVar variation 3315894 (VCV003315894.2).